The following is an entry in ClinVar:

ClinVar aggregate classification (germline): Pathogenic (1 of 4 stars; one submission).

gnomAD v4.1: 1 of 1,613,942 alleles (0.000062%); no homozygotes.

Submission:

Labcorp Genetics (formerly Invitae), Labcorp
Classification: Pathogenic. Last evaluated: 2023-12-09. Review status: criteria provided, single submitter. Criteria: Invitae Variant Classification Sherloc (09022015). Collection method: clinical testing. Allele origin: germline.
Comment: This sequence change creates a premature translational stop signal (p.Arg1911*) in the VCAN gene. It is expected to result in an absent or disrupted protein product. Loss-of-function variants in VCAN are known to be pathogenic (PMID: 26720455). This variant is present in population databases (no rsID available, gnomAD 0.0009%). This variant has not been reported in the literature in individuals affected with VCAN-related conditions. For these reasons, this variant has been classified as Pathogenic.

Literature cited by the submitters: PubMed 26720455.

NM_004385.5(VCAN):c.5731C>T (p.Arg1911Ter)

Genes: VCAN (versican; plus strand), VCAN-AS1 (VCAN antisense RNA 1; minus strand). Cytogenetic location: 5q14.3.
Variant type: single nucleotide variant.
Coding change: c.5731C>T on transcript NM_004385.5 (MANE Select); coding-DNA position 5731, C replaced by T.
Protein change: p.Arg1911Ter; replaces arginine 1911 with a stop codon.
Molecular consequence: nonsense. On other transcripts: intron variant (2).
Genome position (GRCh38, 1-based): chr5:83,538,734, C>T. VCF-style: chr5-83538734-C-T. GRCh37 (hg19) VCF-style: chr5-82834553-C-T.
Other names: c.2770C>T, p.Arg924Ter (NM_001164097.2); c.4004-6803C>T (NM_001164098.2); c.1043-6803C>T (NM_001126336.3); short protein forms R1911*, R924*.
Identifiers: ClinVar variation 2797760 (VCV002797760.3), dbSNP rs1167673455, ClinGen allele CA360311028.